The following is an entry in ClinVar:

ClinVar aggregate classification (germline): Benign/Likely benign. Review status: criteria provided, multiple submitters, no conflicts (2 of 4 stars). 7 submissions from 7 submitters: Benign (3); Likely benign (1). 3 of the submissions do not count toward it. Last evaluated 2026-09-01.

Conditions:
STUB1-related disorder. Also called: STUB1-related condition.

Allele frequency attached by ClinVar (database versions not stated): 1000 Genomes Project 0.00459; gnomAD exomes 0.00488 and 0.00380; TOPMed 0.00278; gnomAD 0.00289 and 0.00315; ESP Exome Variant Server 0.00316; ExAC 0.00415; 1000 Genomes Project 30x 0.00453.
gnomAD v4.1: 7,561 of 1,612,914 alleles (0.47%); highest among the groups gnomAD compares: South Asian, 1.2%; 31 homozygotes.

Submissions (7):

CeGaT Center for Human Genetics Tuebingen
Classification: Benign. Last evaluated: 2026-09-01. Review status: criteria provided, single submitter. Criteria: CeGaT Center For Human Genetics Tuebingen Variant Classification Criteria Version 2. Collection method: clinical testing. Allele origin: germline. Affected: yes. Observed: 24 variant alleles.
Comment: STUB1: BS1, BS2

Labcorp Genetics (formerly Invitae), Labcorp
Classification: Benign. Last evaluated: 2025-12-02. Review status: criteria provided, single submitter. Criteria: Invitae Variant Classification Sherloc (09022015). Collection method: clinical testing. Allele origin: germline.

Mayo Clinic Laboratories, Mayo Clinic
Classification: Benign. Last evaluated: 2024-05-07. Review status: criteria provided, single submitter. Criteria: ACMG Guidelines, 2015. Collection method: clinical testing. Allele origin: germline. Observed: 2 variant alleles.
Comment: BS1, BS2, BP4

GeneDx
Classification: Likely benign. Last evaluated: 2021-11-12. Review status: criteria provided, single submitter. Criteria: GeneDx Variant Classification Process June 2021. Collection method: clinical testing. Allele origin: germline. Affected: yes.
Comment: See Variant Classification Assertion Criteria.

PreventionGenetics, part of Exact Sciences
Classification: Benign for STUB1-related condition. Last evaluated: 2019-06-20. Review status: no assertion criteria provided. Collection method: clinical testing. Allele origin: germline. Not counted in ClinVar's aggregate classification.
Comment: This variant is classified as benign based on ACMG/AMP sequence variant interpretation guidelines (Richards et al. 2015 PMID: 25741868, with internal and published modifications).

Clinical Genetics DNA and cytogenetics Diagnostics Lab, Erasmus MC, Erasmus Medical Center
Classification: Likely benign. Review status: no assertion criteria provided. Collection method: clinical testing. Allele origin: germline. Affected: yes. Study: VKGL Data-share Consensus. Not counted in ClinVar's aggregate classification.

Laboratory of Diagnostic Genome Analysis, Leiden University Medical Center (LUMC)
Classification: Likely benign. Review status: no assertion criteria provided. Collection method: clinical testing. Allele origin: germline. Affected: yes. Study: VKGL Data-share Consensus. Not counted in ClinVar's aggregate classification.

Literature cited by the submitters: PubMed 35438269 (cited by Mayo Clinic Laboratories, Mayo Clinic).

NM_005861.4(STUB1):c.326G>A (p.Ser109Asn)

Gene: STUB1 (STIP1 homology and U-box containing protein 1; plus strand). Cytogenetic location: 16p13.3.
Variant type: single nucleotide variant.
Coding change: c.326G>A on transcript NM_005861.4 (MANE Select); coding-DNA position 326, G replaced by A.
Protein change: p.Ser109Asn; replaces serine 109 with asparagine.
Molecular consequence: missense variant.
Genome position (GRCh38, 1-based): chr16:681,318, G>A. VCF-style: chr16-681318-G-A. GRCh37 (hg19) VCF-style: chr16-731318-G-A.
Other names: p.Ser109Asn; c.110G>A, p.Ser37Asn (NM_001293197.2); short protein forms S37N, S109N.
Identifiers: ClinVar variation 791553 (VCV000791553.55), dbSNP rs148553428, ClinGen allele CA7786552.